The following is an entry in ClinVar:

ClinVar aggregate classification (germline): Uncertain significance (1 of 4 stars; one submission).

Conditions:
Inborn genetic diseases. Identifiers: MedGen C0950123, MeSH D030342.

gnomAD v4.1: 1 of 1,614,174 alleles (0.000062%); highest among the groups gnomAD compares: Non-Finnish European, 0.000085%; no homozygotes.

Submission:

Ambry Genetics
Classification: Uncertain significance for Inborn genetic diseases. Last evaluated: 2025-03-11. Review status: criteria provided, single submitter. Criteria: Ambry Variant Classification Scheme 2023. Collection method: clinical testing. Allele origin: germline.
Comment: The p.P1117T variant (also known as c.3349C>A), located in coding exon 13 of the ASXL1 gene, results from a C to A substitution at nucleotide position 3349. The proline at codon 1117 is replaced by threonine, an amino acid with highly similar properties. This amino acid position is conserved. In addition, this alteration is predicted to be tolerated by in silico analysis. Based on the available evidence, the clinical significance of this variant remains unclear.

NM_015338.6(ASXL1):c.3349C>A (p.Pro1117Thr)

Gene: ASXL1 (ASXL transcriptional regulator 1; plus strand). Cytogenetic location: 20q11.21.
Variant type: single nucleotide variant.
Coding change: c.3349C>A on transcript NM_015338.6 (MANE Select); coding-DNA position 3349, C replaced by A.
Protein change: p.Pro1117Thr; replaces proline 1117 with threonine.
Molecular consequence: missense variant.
Genome position (GRCh38, 1-based): chr20:32,436,061, C>A. VCF-style: chr20-32436061-C-A. GRCh37 (hg19) VCF-style: chr20-31023864-C-A.
Other names: c.3166C>A, p.Pro1056Thr (NM_001363734.1); short protein forms P1056T, P1117T.
Identifiers: ClinVar variation 3794330 (VCV003794330.1).
Genomic context (GRCh38, chr20:32,436,061, plus strand): 5'-CCTGGGTCCTCAGTGGAGGCCACTAACCCACTTGTGATGCAGTTGCTGCAGGGTAGCTTG[C>A]CCCTAGAGAAGGTTCTTCCACCAGCCCACGATGACAGCATGTCAGAATCCCCACAAGTAC-3'
Protein context (NP_056153.2, residues 1107-1127): LVMQLLQGSL[Pro1117Thr]LEKVLPPAHD